The following is an entry in ClinVar:

NM_182972.3(IRF2BP2):c.1627G>A (p.Ala543Thr)

Gene: IRF2BP2 (interferon regulatory factor 2 binding protein 2; minus strand). Cytogenetic location: 1q42.3.
Variant type: single nucleotide variant.
Coding change: c.1627G>A on transcript NM_182972.3 (MANE Select); coding-DNA position 1627, G replaced by A.
Protein change: p.Ala543Thr; replaces alanine 543 with threonine.
Molecular consequence: missense variant.
Genome position (GRCh38, 1-based): chr1:234,607,274, C>T on the plus strand (G>A on the coding strand, the complement: IRF2BP2 is on the minus strand). VCF-style: chr1-234607274-C-T. GRCh37 (hg19) VCF-style: chr1-234743020-C-T.
Other names: c.1579G>A, p.Ala527Thr (NM_001077397.1); short protein forms A527T, A543T.
Identifiers: ClinVar variation 2979126 (VCV002979126.3), dbSNP rs1156493717, ClinGen allele CA345305081.

ClinVar aggregate classification (germline): Uncertain significance (1 of 4 stars; one submission).

gnomAD v4.1: 3 of 1,614,244 alleles (0.00019%); highest among the groups gnomAD compares: Admixed American, 0.0017%; no homozygotes.

Submission:

Labcorp Genetics (formerly Invitae), Labcorp
Classification: Uncertain significance. Last evaluated: 2025-04-22. Review status: criteria provided, single submitter. Criteria: Invitae Variant Classification Sherloc (09022015). Collection method: clinical testing. Allele origin: germline.
Comment: This sequence change replaces alanine, which is neutral and non-polar, with threonine, which is neutral and polar, at codon 543 of the IRF2BP2 protein (p.Ala543Thr). This variant is present in population databases (no rsID available, gnomAD 0.003%). This variant has not been reported in the literature in individuals affected with IRF2BP2-related conditions. ClinVar contains an entry for this variant (Variation ID: 2979126). An algorithm developed to predict the effect of missense changes on protein structure and function (PolyPhen-2) suggests that this variant is likely to be disruptive. In summary, the available evidence is currently insufficient to determine the role of this variant in disease. Therefore, it has been classified as a Variant of Uncertain Significance.